The following is an entry in ClinVar:

ClinVar aggregate classification (germline): Uncertain significance (1 of 4 stars; one submission).

Conditions:
Cockayne syndrome type 2 (CSB). Also called: COCKAYNE SYNDROME B; Cockayne Syndrome, Type II. Identifiers: Orphanet 191, Orphanet 90322, MedGen C0751038, MONDO:0019570, OMIM 133540.

Submission:

Breda Genetics srl
Classification: Uncertain significance for Cockayne syndrome type 2. Last evaluated: 2021-06-23. Review status: criteria provided, single submitter. Criteria: ACMG Guidelines, 2015. Collection method: clinical testing. Allele origin: germline. Inheritance: Autosomal recessive inheritance. Affected: yes. Observed: 1 variant allele, 1 heterozygote.
Comment: Based on allele frequency, in-silico prediction scores and a certain overlap with the clinical phenotype, we interpreted this variant at least as of uncertain significance. The lack of one or more of the following features has discouraged further investigations: lack of a possible second hit in autosomal recessive conditions, presence of healthy controls in databases for autosomal dominant conditions, presence of unmatching cardinal clinical features in the patient or in the known gene-disease association, and/or variant type outside the known gene mutational spectrum.

NM_000124.4(ERCC6):c.652G>A (p.Glu218Lys)

Gene: ERCC6 (ERCC excision repair 6, chromatin remodeling factor; minus strand). Cytogenetic location: 10q11.23.
Variant type: single nucleotide variant.
Coding change: c.652G>A on transcript NM_000124.4 (MANE Select); coding-DNA position 652, G replaced by A.
Protein change: p.Glu218Lys; replaces glutamic acid 218 with lysine.
Molecular consequence: missense variant.
Genome position (GRCh38, 1-based): chr10:49,528,417, C>T on the plus strand (G>A on the coding strand, the complement: ERCC6 is on the minus strand). VCF-style: chr10-49528417-C-T. GRCh37 (hg19) VCF-style: chr10-50736463-C-T.
Other names: c.652G>A, p.Glu218Lys (NM_001277058.2, NM_001277059.2, NM_001346440.2); short protein forms E218K.
Identifiers: ClinVar variation 1299433 (VCV001299433.1), dbSNP rs2132631324, ClinGen allele CA376708998.